The following is an entry in ClinVar:

ClinVar aggregate classification (germline): Uncertain significance (1 of 4 stars; one submission).

Allele frequency attached by ClinVar (database versions not stated): gnomAD exomes 0.00001.
gnomAD v4.1: 7 of 1,575,512 alleles (0.00044%); highest among the groups gnomAD compares: Non-Finnish European, 0.0006%; no homozygotes.

Submission:

Labcorp Genetics (formerly Invitae), Labcorp
Classification: Uncertain significance. Last evaluated: 2022-03-18. Review status: criteria provided, single submitter. Criteria: Invitae Variant Classification Sherloc (09022015). Collection method: clinical testing. Allele origin: germline.
Comment: This sequence change replaces arginine, which is basic and polar, with cysteine, which is neutral and slightly polar, at codon 438 of the COL9A2 protein (p.Arg438Cys). This variant is not present in population databases (gnomAD no frequency). This variant has not been reported in the literature in individuals affected with COL9A2-related conditions. Algorithms developed to predict the effect of missense changes on protein structure and function are either unavailable or do not agree on the potential impact of this missense change (SIFT: "Deleterious"; PolyPhen-2: "Probably Damaging"; Align-GVGD: "Class C0"). In summary, the available evidence is currently insufficient to determine the role of this variant in disease. Therefore, it has been classified as a Variant of Uncertain Significance.

NM_001852.4(COL9A2):c.1312C>T (p.Arg438Cys)

Gene: COL9A2 (collagen type IX alpha 2 chain; minus strand). Cytogenetic location: 1p34.2.
Variant type: single nucleotide variant.
Coding change: c.1312C>T on transcript NM_001852.4 (MANE Select); coding-DNA position 1312, C replaced by T.
Protein change: p.Arg438Cys; replaces arginine 438 with cysteine.
Molecular consequence: missense variant.
Genome position (GRCh38, 1-based): chr1:40,304,075, G>A on the plus strand (C>T on the coding strand, the complement: COL9A2 is on the minus strand). VCF-style: chr1-40304075-G-A. GRCh37 (hg19) VCF-style: chr1-40769747-G-A.
Other names: short protein forms R438C.
Identifiers: ClinVar variation 1354886 (VCV001354886.6), dbSNP rs2124051064, ClinGen allele CA339880388.